The following is an entry in ClinVar:

NM_004230.4(S1PR2):c.558C>T (p.Tyr186=)

Gene: S1PR2 (sphingosine-1-phosphate receptor 2; minus strand). Cytogenetic location: 19p13.2.
Variant type: single nucleotide variant.
Coding change: c.558C>T on transcript NM_004230.4 (MANE Select); coding-DNA position 558, C replaced by T.
Protein change: p.Tyr186=; no amino-acid change (tyrosine 186 retained).
Molecular consequence: synonymous variant.
Genome position (GRCh38, 1-based): chr19:10,224,348, G>A on the plus strand (C>T on the coding strand, the complement: S1PR2 is on the minus strand). VCF-style: chr19-10224348-G-A. GRCh37 (hg19) VCF-style: chr19-10335024-G-A.
Identifiers: ClinVar variation 666750 (VCV000666750.20), dbSNP rs199954220, ClinGen allele CA9189073.
Genomic context (GRCh38, chr19:10,224,348, plus strand): 5'-CACGATGGCCAACAGGATGATGGAGAAGATGGTCACCACGCACAGCACATAATGCTTGGC[G>A]TAGAGAGGCAGGACAGTGGAGCAGGCCTCGAGGTGGCCCAGGCAGTTCCAGCCAAGGATG-3'
Protein context (NP_004221.3, residues 176-196): LEACSTVLPL[Tyr186=]AKHYVLCVVT

ClinVar aggregate classification (germline): Likely benign. Review status: criteria provided, multiple submitters, no conflicts (2 of 4 stars). 4 submissions from 4 submitters: Likely benign (4). Last evaluated 2025-07-01.

Allele frequency attached by ClinVar (database versions not stated): gnomAD exomes 0.00006 and 0.00017; ESP Exome Variant Server 0.00008; gnomAD 0.00009 and 0.00011; ExAC 0.00011; TOPMed 0.00016; 1000 Genomes Project 0.00020; 1000 Genomes Project 30x 0.00031.

Submissions (4):

CeGaT Center for Human Genetics Tuebingen
Classification: Likely benign. Last evaluated: 2025-07-01. Review status: criteria provided, single submitter. Criteria: CeGaT Center For Human Genetics Tuebingen Variant Classification Criteria Version 2. Collection method: clinical testing. Allele origin: germline. Affected: yes. Observed: 1 variant allele.
Comment: S1PR2: BP4, BP7

Labcorp Genetics (formerly Invitae), Labcorp
Classification: Likely benign. Last evaluated: 2024-08-12. Review status: criteria provided, single submitter. Criteria: Invitae Variant Classification Sherloc (09022015). Collection method: clinical testing. Allele origin: germline.

GeneDx
Classification: Likely benign. Last evaluated: 2020-10-23. Review status: criteria provided, single submitter. Criteria: GeneDx Variant Classification Process June 2021. Collection method: clinical testing. Allele origin: germline. Affected: yes.

Laboratory for Molecular Medicine, Mass General Brigham Personalized Medicine
Classification: Likely benign. Last evaluated: 2018-05-25. Review status: criteria provided, single submitter. Criteria: LMM Criteria. Collection method: clinical testing. Allele origin: germline. Observed: 1 variant allele.
Comment: p.Tyr186Tyr in exon 2 of S1PR2: This variant is not expected to have clinical si gnificance because it does not alter an amino acid residue and is not located wi thin the splice consensus sequence. It has been identified in 0.17% (32/18864) o f East Asian chromosomes by the Genome Aggregation Database (gnomAD; dbSNP rs199954220).